The following is an entry in ClinVar:

ClinVar aggregate classification (germline): Uncertain significance (1 of 4 stars; one submission).

Conditions:
Congenital myotonia, autosomal dominant form (THD). Also called: THOMSEN DISEASE; Myotonia congenita autosomal dominant. Identifiers: Orphanet 614, MedGen C2936781, MONDO:0008055, OMIM 160800.
Congenital myotonia, autosomal recessive form. Also called: Becker Generalized Myotonia; myotonia congenita, autosomal recessive; BECKER DISEASE. Identifiers: Orphanet 614, MedGen C0751360, MONDO:0009715, OMIM 255700.

Submission:

Labcorp Genetics (formerly Invitae), Labcorp
Classification: Uncertain significance for Congenital myotonia, autosomal recessive form; Congenital myotonia, autosomal dominant form. Last evaluated: 2024-06-03. Review status: criteria provided, single submitter. Criteria: Invitae Variant Classification Sherloc (09022015). Collection method: clinical testing. Allele origin: germline.
Comment: This sequence change replaces serine, which is neutral and polar, with tyrosine, which is neutral and polar, at codon 935 of the CLCN1 protein (p.Ser935Tyr). This variant is not present in population databases (gnomAD no frequency). This variant has not been reported in the literature in individuals affected with CLCN1-related conditions. Advanced modeling of protein sequence and biophysical properties (such as structural, functional, and spatial information, amino acid conservation, physicochemical variation, residue mobility, and thermodynamic stability) performed at Invitae indicates that this missense variant is not expected to disrupt CLCN1 protein function with a negative predictive value of 95%. Algorithms developed to predict the effect of sequence changes on RNA splicing suggest that this variant may create or strengthen a splice site. In summary, the available evidence is currently insufficient to determine the role of this variant in disease. Therefore, it has been classified as a Variant of Uncertain Significance.

NM_000083.3(CLCN1):c.2804C>A (p.Ser935Tyr)

Gene: CLCN1 (chloride voltage-gated channel 1; plus strand). Cytogenetic location: 7q34.
Variant type: single nucleotide variant.
Coding change: c.2804C>A on transcript NM_000083.3 (MANE Select); coding-DNA position 2804, C replaced by A.
Protein change: p.Ser935Tyr; replaces serine 935 with tyrosine.
Molecular consequence: missense variant. On other transcripts: non-coding transcript variant (1).
Genome position (GRCh38, 1-based): chr7:143,351,802, C>A. VCF-style: chr7-143351802-C-A. GRCh37 (hg19) VCF-style: chr7-143048895-C-A.
Other names: short protein forms S935Y.
Identifiers: ClinVar variation 3751598 (VCV003751598.2).